The following is an entry in ClinVar:

ClinVar aggregate classification (germline): Uncertain significance (1 of 4 stars; one submission).

Allele frequency attached by ClinVar (database versions not stated): gnomAD exomes 0.00006; gnomAD 0.00010; ExAC 0.00011; TOPMed 0.00015; 1000 Genomes Project 30x 0.00016.
gnomAD v4.1: 108 of 1,605,774 alleles (0.0067%); highest among the groups gnomAD compares: Middle Eastern, 0.15%; no homozygotes.

Submission:

Labcorp Genetics (formerly Invitae), Labcorp
Classification: Uncertain significance. Last evaluated: 2023-08-18. Review status: criteria provided, single submitter. Criteria: Invitae Variant Classification Sherloc (09022015). Collection method: clinical testing. Allele origin: germline.
Comment: This sequence change replaces glutamic acid, which is acidic and polar, with glycine, which is neutral and non-polar, at codon 942 of the TNK2 protein (p.Glu942Gly). In summary, the available evidence is currently insufficient to determine the role of this variant in disease. Therefore, it has been classified as a Variant of Uncertain Significance. An algorithm developed to predict the effect of missense changes on protein structure and function (PolyPhen-2) suggests that this variant is likely to be disruptive. This variant has not been reported in the literature in individuals affected with TNK2-related conditions. This variant is present in population databases (rs778020093, gnomAD 0.07%), and has an allele count higher than expected for a pathogenic variant.

NM_001382273.1(TNK2):c.2636A>G (p.Glu879Gly)

Gene: TNK2 (tyrosine kinase non receptor 2; minus strand). Cytogenetic location: 3q29.
Variant type: single nucleotide variant.
Coding change: c.2636A>G on transcript NM_001382273.1 (MANE Select); coding-DNA position 2636, A replaced by G.
Protein change: p.Glu879Gly; replaces glutamic acid 879 with glycine.
Molecular consequence: missense variant. On other transcripts: non-coding transcript variant (15).
Genome position (GRCh38, 1-based): chr3:195,867,662, T>C on the plus strand (A>G on the coding strand, the complement: TNK2 is on the minus strand). VCF-style: chr3-195867662-T-C. GRCh37 (hg19) VCF-style: chr3-195594533-T-C.
Other names: c.2708A>G, p.Glu903Gly (NM_001010938.2, NM_001382272.1); c.2687A>G, p.Glu896Gly (NM_001308046.2, NM_001382271.1); c.2636A>G, p.Glu879Gly (NM_001382274.1, NM_001387716.1, NM_001387717.1 and 1 more transcripts); c.2732A>G, p.Glu911Gly (NM_001382275.1, NM_001387707.1); c.2591A>G, p.Glu864Gly (NM_001386164.1, NM_001387709.1, NM_001387710.1 and 8 more transcripts); c.2663A>G, p.Glu888Gly (NM_001387708.1, NM_001387715.1); short protein forms E896G, E864G, E911G, E879G, E888G, E903G.
Identifiers: ClinVar variation 2791240 (VCV002791240.3), dbSNP rs778020093, ClinGen allele CA2775857.